The following is an entry in ClinVar:

ClinVar aggregate classification (germline): Likely benign. Review status: criteria provided, multiple submitters, no conflicts (2 of 4 stars). 2 submissions from 2 submitters: Likely benign (2). Last evaluated 2025-12-13.

Conditions:
Succinate-semialdehyde dehydrogenase deficiency (SSADHD). Also called: SSADH DEFICIENCY; 4-HYDROXYBUTYRIC ACIDURIA; Succinic Semialdehyde Dehydrogenase Deficiency; GABA METABOLIC DEFECT. Identifiers: Orphanet 22, MedGen C0268631, MONDO:0010083, OMIM 271980.

Allele frequency attached by ClinVar (database versions not stated): gnomAD exomes 0.00003 and 0.00007; TOPMed 0.00003; gnomAD 0.00005 and 0.00006; ExAC 0.00011.
gnomAD v4.1: 53 of 1,614,038 alleles (0.0033%); highest among the groups gnomAD compares: Non-Finnish European, 0.0044%; no homozygotes.

Submissions (2):

Labcorp Genetics (formerly Invitae), Labcorp
Classification: Likely benign for Succinate-semialdehyde dehydrogenase deficiency. Last evaluated: 2025-12-13. Review status: criteria provided, single submitter. Criteria: Invitae Variant Classification Sherloc (09022015). Collection method: clinical testing. Allele origin: germline.

CeGaT Center for Human Genetics Tuebingen
Classification: Likely benign. Last evaluated: 2024-07-01. Review status: criteria provided, single submitter. Criteria: CeGaT Center For Human Genetics Tuebingen Variant Classification Criteria Version 2. Collection method: clinical testing. Allele origin: germline. Affected: yes. Observed: 1 variant allele.
Comment: ALDH5A1: BP4, BP7

NM_001080.3(ALDH5A1):c.1353A>C (p.Thr451=)

Gene: ALDH5A1 (aldehyde dehydrogenase 5 family member A1; plus strand). Cytogenetic location: 6p22.3.
Variant type: single nucleotide variant.
Coding change: c.1353A>C on transcript NM_001080.3 (MANE Select); coding-DNA position 1353, A replaced by C.
Protein change: p.Thr451=; no amino-acid change (threonine 451 retained).
Molecular consequence: synonymous variant.
Genome position (GRCh38, 1-based): chr6:24,532,128, A>C. VCF-style: chr6-24532128-A-C. GRCh37 (hg19) VCF-style: chr6-24532356-A-C.
Other names: c.1209A>C, p.Thr403= (NM_001368954.1); c.1392A>C, p.Thr464= (NM_170740.1).
Identifiers: ClinVar variation 1081512 (VCV001081512.26), dbSNP rs146549665, ClinGen allele CA3656926.